The following is an entry in ClinVar:

ClinVar aggregate classification (germline): Likely benign. Review status: criteria provided, multiple submitters, no conflicts (2 of 4 stars). 7 submissions from 7 submitters: Likely benign (6). 1 of the submissions does not count toward it. Last evaluated 2025-12-23.

Conditions:
Inborn genetic diseases. Identifiers: MedGen C0950123, MeSH D030342.
TBCD-related disorder. Also called: TBCD-related condition.

Allele frequency attached by ClinVar (database versions not stated): ESP Exome Variant Server 0.00047; gnomAD 0.00073 and 0.00068; 1000 Genomes Project 30x 0.00125; 1000 Genomes Project 0.00140; TOPMed 0.00068.
gnomAD v4.1: 401 of 1,613,330 alleles (0.025%); highest among the groups gnomAD compares: African/African-American, 0.29%; 4 homozygotes.

Submissions (7):

Labcorp Genetics (formerly Invitae), Labcorp
Classification: Likely benign. Last evaluated: 2025-12-23. Review status: criteria provided, single submitter. Criteria: Invitae Variant Classification Sherloc (09022015). Collection method: clinical testing. Allele origin: germline.

Blueprint Genetics
Classification: Likely benign. Last evaluated: 2024-08-06. Review status: criteria provided, single submitter. Criteria: ACMG Guidelines, 2015. Collection method: clinical testing. Allele origin: germline.

Women's Health and Genetics/Laboratory Corporation of America, LabCorp
Classification: Likely benign. Last evaluated: 2024-07-23. Review status: criteria provided, single submitter. Criteria: LabCorp Variant Classification Summary - May 2015. Collection method: clinical testing. Allele origin: germline.
Comment: Variant summary: TBCD c.2609+4C>T alters a conserved nucleotide located close to a canonical splice site and therefore could affect mRNA splicing, leading to a significantly altered protein sequence. Consensus agreement among computation tools predict no significant impact on normal splicing. However, these predictions have yet to be confirmed by functional studies. The variant allele was found at a frequency of 0.00025 in 1613330 control chromosomes, predominantly at a frequency of 0.0029 within the African or African-American subpopulation in the gnomAD database (v4), including 2 homozygotes. The observed variant frequency within African or African-American control individuals in the gnomAD database exceeds the estimated maximal expected allele frequency for a pathogenic variant in TBCD causing Encephalopathy, Early Onset phenotype. To our knowledge, no occurrence of c.2609+4C>T in individuals affected with Encephalopathy, Early Onset and no experimental evidence demonstrating its impact on protein function have been reported. ClinVar contains an entry for this variant (Variation ID: 1640550). Based on the evidence outlined above, the variant was classified as likely benign.

CeGaT Center for Human Genetics Tuebingen
Classification: Likely benign. Last evaluated: 2024-02-01. Review status: criteria provided, single submitter. Criteria: CeGaT Center For Human Genetics Tuebingen Variant Classification Criteria Version 2. Collection method: clinical testing. Allele origin: germline. Affected: yes. Observed: 2 variant alleles.
Comment: TBCD: BP4

Ambry Genetics
Classification: Likely benign for Inborn genetic diseases. Last evaluated: 2022-01-28. Review status: criteria provided, single submitter. Criteria: Ambry Variant Classification Scheme 2023. Collection method: clinical testing. Allele origin: germline.

Breakthrough Genomics
Classification: Likely benign. Review status: criteria provided, single submitter. Criteria: ACMG Guidelines, 2015. Collection method: not provided. Allele origin: germline. Inheritance: Autosomal recessive inheritance. Affected: yes.

PreventionGenetics, part of Exact Sciences
Classification: Likely benign for TBCD-related condition. Last evaluated: 2022-08-09. Review status: no assertion criteria provided. Collection method: clinical testing. Allele origin: germline. Not counted in ClinVar's aggregate classification.
Comment: This variant is classified as likely benign based on ACMG/AMP sequence variant interpretation guidelines (Richards et al. 2015 PMID: 25741868, with internal and published modifications).

NM_005993.5(TBCD):c.2609+4C>T

Gene: TBCD (tubulin folding cofactor D). Cytogenetic location: 17q25.3.
Variant type: single nucleotide variant.
Coding change: c.2609+4C>T on transcript NM_005993.5 (MANE Select); 4 bases into the intron after coding-DNA position 2609, C replaced by T.
Molecular consequence: intron variant.
Genome position (GRCh38, 1-based): chr17:82,927,327, C>T. VCF-style: chr17-82927327-C-T. GRCh37 (hg19) VCF-style: chr17-80885203-C-T.
Other names: c.2609+4C>T (NM_005993.4).
Identifiers: ClinVar variation 1640550 (VCV001640550.37), dbSNP rs112325423, ClinGen allele CA8863123.